The following is an entry in ClinVar:

NM_005908.4(MANBA):c.1231-1G>C

Gene: MANBA (mannosidase beta; minus strand). Cytogenetic location: 4q24.
Variant type: single nucleotide variant.
Coding change: c.1231-1G>C on transcript NM_005908.4 (MANE Select); the canonical splice acceptor site of the intron before coding-DNA position 1231, G replaced by C.
Molecular consequence: splice acceptor variant.
Genome position (GRCh38, 1-based): chr4:102,669,050, C>G on the plus strand (G>C on the coding strand, the complement: MANBA is on the minus strand). VCF-style: chr4-102669050-C-G. GRCh37 (hg19) VCF-style: chr4-103590207-C-G.
Identifiers: ClinVar variation 4780224 (VCV004780224.1).
Genomic context (GRCh38, chr4:102,669,050, plus strand): 5'-ATCCAGGAAGCCCTGATCAGTTGGATAAAGGGCACAGGCAAACATAAAATCCTGCCATAC[C>G]TAGCAAATCAAATAAAAGGGAATGCAACACTTCCATAAGTTTTATTACACAGAAGAAAGT-3'

ClinVar aggregate classification (germline): Likely pathogenic (1 of 4 stars; one submission).

Conditions:
Beta-D-mannosidosis (MANSB). Also called: MANNOSIDOSIS, BETA A, LYSOSOMAL; BETA-MANNOSIDASE DEFICIENCY; LYSOSOMAL BETA-MANNOSIDASE DEFICIENCY; Beta-Mannosidosis. Identifiers: Orphanet 118, MedGen C4048196, MONDO:0009562, OMIM 248510.

gnomAD v4.1: 1 of 1,609,190 alleles (0.000062%); highest among the groups gnomAD compares: African/African-American, 0.0013%; no homozygotes.

Submission:

Labcorp Genetics (formerly Invitae), Labcorp
Classification: Likely pathogenic for Beta-D-mannosidosis. Last evaluated: 2025-12-18. Review status: criteria provided, single submitter. Criteria: Invitae Variant Classification Sherloc (09022015). Collection method: clinical testing. Allele origin: germline.
Comment: This sequence change affects an acceptor splice site in intron 9 of the MANBA gene. It is expected to disrupt RNA splicing. Variants that disrupt the donor or acceptor splice site typically lead to a loss of protein function (PMID: 16199547), and loss-of-function variants in MANBA are known to be pathogenic (PMID: 9384606, 12468273). This variant is not present in population databases (gnomAD no frequency). This variant has not been reported in the literature in individuals affected with MANBA-related conditions. Algorithms developed to predict the effect of sequence changes on RNA splicing suggest that this variant may disrupt the consensus splice site. In summary, the currently available evidence indicates that the variant is pathogenic, but additional data are needed to prove that conclusively. Therefore, this variant has been classified as Likely Pathogenic.

Literature cited by the submitters: PubMed 16199547; PubMed 9384606; PubMed 12468273.